The following is an entry in ClinVar:

NM_000552.5(VWF):c.3379C>T (p.Pro1127Ser)

Gene: VWF (von Willebrand factor; minus strand). Cytogenetic location: 12p13.31.
Variant type: single nucleotide variant.
Coding change: c.3379C>T on transcript NM_000552.5 (MANE Select); coding-DNA position 3379, C replaced by T.
Protein change: p.Pro1127Ser; replaces proline 1127 with serine.
Molecular consequence: missense variant.
Genome position (GRCh38, 1-based): chr12:6,023,631, G>A on the plus strand (C>T on the coding strand, the complement: VWF is on the minus strand). VCF-style: chr12-6023631-G-A. GRCh37 (hg19) VCF-style: chr12-6132797-G-A.
Other names: short protein forms P1127S.
Identifiers: ClinVar variation 3053159 (VCV003053159.3), dbSNP rs139579968, ClinGen allele CA6402766.

ClinVar aggregate classification (germline): Uncertain significance. Review status: criteria provided, single submitter (1 of 4 stars). 2 submissions from 2 submitters: Uncertain significance (1). 1 of the submissions does not count toward it. Last evaluated 2025-03-07.

Conditions:
VWF-related disorder. Also called: VWF-related condition; VWF-related disorders.

Allele frequency attached by ClinVar (database versions not stated): ESP Exome Variant Server 0.00008; ExAC 0.00012; gnomAD exomes 0.00021; TOPMed 0.00024; gnomAD 0.00026.
gnomAD v4.1: 342 of 1,613,670 alleles (0.021%); highest among the groups gnomAD compares: Middle Eastern, 0.033%; no homozygotes.

Submissions (2):

Quest Diagnostics Nichols Institute San Juan Capistrano
Classification: Uncertain significance. Last evaluated: 2025-03-07. Review status: criteria provided, single submitter. Criteria: Quest Diagnostics criteria. Collection method: clinical testing. Allele origin: unknown.
Comment: The VWF c.3379C>T (p.Pro1127Ser) variant has been reported in the published literature in an individual with low von Willebrand factor (VWF) levels (PMID: 35596664 (2022)). A functional study suggests that this variant causes abnormal VWF interaction with LRP1 (PMID: 35596664 (2022)). The frequency of this variant in the general population, 0.00036 (18/50466 chromosomes), is uninformative in assessment of its pathogenicity. Analysis of this variant using bioinformatics tools for the prediction of the effect of amino acid changes on protein structure and function yielded predictions that this variant is damaging. Based on the available information, we are unable to determine the clinical significance of this variant.

PreventionGenetics, part of Exact Sciences
Classification: Uncertain significance for VWF-related condition. Last evaluated: 2023-11-28. Review status: no assertion criteria provided. Collection method: clinical testing. Allele origin: germline. Not counted in ClinVar's aggregate classification.
Comment: The VWF c.3379C>T variant is predicted to result in the amino acid substitution p.Pro1127Ser. This variant was reported in a family with VWF related disease (Sacco et al. 2022. PubMed ID: 35596664). This variant is reported in 0.024% of alleles in individuals of African descent in gnomAD. At this time, the clinical significance of this variant is uncertain due to the absence of conclusive functional and genetic evidence.

Literature cited by the submitters: PubMed 35596664 (cited by Quest Diagnostics Nichols Institute San Juan Capistrano); PubMed 32722784 (cited by Quest Diagnostics Nichols Institute San Juan Capistrano); PubMed 23690449 (cited by Quest Diagnostics Nichols Institute San Juan Capistrano).